The following is an entry in ClinVar:

NM_024312.5(GNPTAB):c.1684T>C (p.Cys562Arg)

Gene: GNPTAB (N-acetylglucosamine-1-phosphate transferase subunits alpha and beta; minus strand). Cytogenetic location: 12q23.2.
Variant type: single nucleotide variant.
Coding change: c.1684T>C on transcript NM_024312.5 (MANE Select); coding-DNA position 1684, T replaced by C.
Protein change: p.Cys562Arg; replaces cysteine 562 with arginine.
Molecular consequence: missense variant.
Genome position (GRCh38, 1-based): chr12:101,765,233, A>G on the plus strand (T>C on the coding strand, the complement: GNPTAB is on the minus strand). VCF-style: chr12-101765233-A-G. GRCh37 (hg19) VCF-style: chr12-102159011-A-G.
Other names: short protein forms C562R.
Identifiers: ClinVar variation 2074583 (VCV002074583.1), dbSNP rs1289989185, ClinGen allele CA386300038.

ClinVar aggregate classification (germline): Uncertain significance (1 of 4 stars; one submission).

Conditions:
Pseudo-Hurler polydystrophy. Also called: MUCOLIPIDOSIS IIIA; ML III; ML III ALPHA/BETA; Type III Mucolipidosis; ML IIIA; Mucolipidosis III Alpha/Beta. Identifiers: Orphanet 423461, Orphanet 577, MedGen C0033788, MONDO:0018931, OMIM 252600.
Mucolipidosis type II. Also called: Mucolipidosis II Alpha/Beta; ML II ALPHA/BETA; Mucolipidosis 2; ML 2; Inclusion cell disease; Leroy Disease. Identifiers: Orphanet 576, MedGen C2673377, MONDO:0009650, OMIM 252500.

Allele frequency attached by ClinVar (database versions not stated): gnomAD exomes below 0.00001; TOPMed below 0.00001.

Submission:

Labcorp Genetics (formerly Invitae), Labcorp
Classification: Uncertain significance for Pseudo-Hurler polydystrophy; Mucolipidosis type II. Last evaluated: 2022-10-07. Review status: criteria provided, single submitter. Criteria: Invitae Variant Classification Sherloc (09022015). Collection method: clinical testing. Allele origin: germline.
Comment: This sequence change replaces cysteine, which is neutral and slightly polar, with arginine, which is basic and polar, at codon 562 of the GNPTAB protein (p.Cys562Arg). This variant is present in population databases (no rsID available, gnomAD 0.01%). This variant has not been reported in the literature in individuals affected with GNPTAB-related conditions. Advanced modeling of protein sequence and biophysical properties (such as structural, functional, and spatial information, amino acid conservation, physicochemical variation, residue mobility, and thermodynamic stability) performed at Invitae indicates that this missense variant is not expected to disrupt GNPTAB protein function. In summary, the available evidence is currently insufficient to determine the role of this variant in disease. Therefore, it has been classified as a Variant of Uncertain Significance.